The following is an entry in ClinVar:

NM_000088.4(COL1A1):c.678del (p.Gly227fs)

Gene: COL1A1 (collagen type I alpha 1 chain; minus strand). Cytogenetic location: 17q21.33.
Variant type: Deletion.
Coding change: c.678del on transcript NM_000088.4 (MANE Select); coding-DNA position 678, one base deleted (T; older notation c.678delT).
Protein change: p.Gly227fs; shifts the reading frame from glycine 227.
Molecular consequence: frameshift variant.
Genome position (GRCh38, 1-based): chr17:50,197,750, A deleted on the plus strand (T on the coding strand, the reverse complement: COL1A1 is on the minus strand). VCF-style (leftmost placement, unchanged base first): chr17-50197749-CA-C. GRCh37 (hg19) VCF-style: chr17-48275110-CA-C.
Other names: c.678delT (NM_000088.3); short protein forms G227fs.
Identifiers: ClinVar variation 456793 (VCV000456793.7), dbSNP rs1555574638, ClinGen allele CA658656723.

ClinVar aggregate classification (germline): Pathogenic (1 of 4 stars; one submission).

Conditions:
Osteogenesis imperfecta type I (OI1). Also called: OI, TYPE I; OSTEOGENESIS IMPERFECTA TARDA; OSTEOGENESIS IMPERFECTA WITH BLUE SCLERAE; Osteogenesis imperfecta type 1; Lobstein's Disease; Lobstein disease. Identifiers: Orphanet 216796, Orphanet 666, MedGen C0023931, MONDO:0008146, OMIM 166200. Disease mechanism: loss of function.

Submission:

Labcorp Genetics (formerly Invitae), Labcorp
Classification: Pathogenic for Osteogenesis imperfecta type I. Last evaluated: 2025-08-12. Review status: criteria provided, single submitter. Criteria: Invitae Variant Classification Sherloc (09022015). Collection method: clinical testing. Allele origin: germline.
Comment: This sequence change creates a premature translational stop signal (p.Gly227Glufs*38) in the COL1A1 gene. It is expected to result in an absent or disrupted protein product. Loss-of-function variants in COL1A1 are known to be pathogenic (PMID: 7942841, 9295084, 9443882). This variant is not present in population databases (gnomAD no frequency). This variant has not been reported in the literature in individuals affected with COL1A1-related conditions. ClinVar contains an entry for this variant (Variation ID: 456793). For these reasons, this variant has been classified as Pathogenic.

Literature cited by the submitters: PubMed 7942841; PubMed 9295084; PubMed 9443882.